The following is an entry in ClinVar:

NM_020971.3(SPTBN4):c.1665+8del

Gene: SPTBN4 (spectrin beta, non-erythrocytic 4; plus strand). Cytogenetic location: 19q13.2.
Variant type: Deletion.
Coding change: c.1665+8del on transcript NM_020971.3 (MANE Select); 8 bases into the intron after coding-DNA position 1665, one base deleted (C; older notation c.1665+8delC).
Molecular consequence: intron variant.
Genome position (GRCh38, 1-based): chr19:40,504,140, C deleted. VCF-style (leftmost placement, unchanged base first): chr19-40504139-GC-G. GRCh37 (hg19) VCF-style: chr19-41010046-GC-G.
Other names: c.1665+8delC (NM_020971.2).
Identifiers: ClinVar variation 1277390 (VCV001277390.17), dbSNP rs201197553, ClinGen allele CA9445705.

ClinVar aggregate classification (germline): Benign. Review status: criteria provided, multiple submitters, no conflicts (2 of 4 stars). 3 submissions from 3 submitters: Benign (2). 1 of the submissions does not count toward it. Last evaluated 2024-11-01.

Conditions:
SPTBN4-related disorder. Also called: SPTBN4-related condition.

Allele frequency attached by ClinVar (database versions not stated): 1000 Genomes Project 30x 0.00031; gnomAD 0.00082 and 0.00091; gnomAD exomes 0.00939 and 0.03781; ExAC 0.10473.

Submissions (3):

CeGaT Center for Human Genetics Tuebingen
Classification: Benign. Last evaluated: 2024-11-01. Review status: criteria provided, single submitter. Criteria: CeGaT Center For Human Genetics Tuebingen Variant Classification Criteria Version 2. Collection method: clinical testing. Allele origin: germline. Affected: yes. Observed: 1 variant allele.
Comment: SPTBN4: BP4, BS1, BS2

GeneDx
Classification: Benign. Last evaluated: 2021-05-16. Review status: criteria provided, single submitter. Criteria: GeneDx Variant Classification Process June 2021. Collection method: clinical testing. Allele origin: germline. Affected: yes.

PreventionGenetics, part of Exact Sciences
Classification: Likely benign for SPTBN4-related condition. Last evaluated: 2024-07-25. Review status: no assertion criteria provided. Collection method: clinical testing. Allele origin: germline. Not counted in ClinVar's aggregate classification.
Comment: This variant is classified as likely benign based on ACMG/AMP sequence variant interpretation guidelines (Richards et al. 2015 PMID: 25741868, with internal and published modifications).